The following is an entry in ClinVar:

NM_001267550.2(TTN):c.107933G>A (p.Gly35978Glu)

Genes: TTN (titin; minus strand), TTN-AS1 (TTN antisense RNA 1; plus strand). Cytogenetic location: 2q31.2.
Variant type: single nucleotide variant.
Coding change: c.107933G>A on transcript NM_001267550.2 (MANE Select); coding-DNA position 107933, G replaced by A.
Protein change: p.Gly35978Glu; replaces glycine 35978 with glutamic acid.
Molecular consequence: missense variant.
Genome position (GRCh38, 1-based): chr2:178,527,055, C>T on the plus strand (G>A on the coding strand, the complement: TTN is on the minus strand). VCF-style: chr2-178527055-C-T. GRCh37 (hg19) VCF-style: chr2-179391782-C-T.
Other names: c.103010G>A, p.Gly34337Glu (NM_001256850.1); c.80738G>A, p.Gly26913Glu (NM_003319.4); c.100229G>A, p.Gly33410Glu (NM_133378.4); c.81113G>A, p.Gly27038Glu (NM_133432.3); c.81314G>A, p.Gly27105Glu (NM_133437.4); short protein forms G27105E, G27038E, G34337E, G33410E, G26913E, G35978E.
Identifiers: ClinVar variation 1387491 (VCV001387491.8), dbSNP rs2154129775, ClinGen allele CA349398232.

ClinVar aggregate classification (germline): Uncertain significance (1 of 4 stars; one submission).

Conditions:
Dilated cardiomyopathy 1G (CMD1G). Identifiers: Orphanet 154, MedGen C1858763, MONDO:0011400, OMIM 604145.
Autosomal recessive limb-girdle muscular dystrophy type 2J (LGMDR10). Also called: Limb-girdle muscular dystrophy, type 2J; MUSCULAR DYSTROPHY, LIMB-GIRDLE, AUTOSOMAL RECESSIVE 10. Identifiers: Orphanet 140922, MedGen C1837342, MONDO:0012127, OMIM 608807.

Submission:

Labcorp Genetics (formerly Invitae), Labcorp
Classification: Uncertain significance for Dilated cardiomyopathy 1G; Autosomal recessive limb-girdle muscular dystrophy type 2J. Last evaluated: 2024-06-12. Review status: criteria provided, single submitter. Criteria: Invitae Variant Classification Sherloc (09022015). Collection method: clinical testing. Allele origin: germline.
Comment: This sequence change replaces glycine, which is neutral and non-polar, with glutamic acid, which is acidic and polar, at codon 35978 of the TTN protein (p.Gly35978Glu). This variant is not present in population databases (gnomAD no frequency). This missense change has been observed in individual(s) with spinal muscular atrophy (PMID: 33481221). This variant is also known as p.Gly33410Glu. ClinVar contains an entry for this variant (Variation ID: 1387491). Experimental studies and prediction algorithms are not available or were not evaluated, and the functional significance of this variant is currently unknown. This variant is located in the M band of TTN (PMID: 25589632). Non-truncating variants in this region may be relevant for neuromuscular disorders, but have not been definitively shown to cause cardiomyopathy (PMID: 23975875). In summary, the available evidence is currently insufficient to determine the role of this variant in disease. Therefore, it has been classified as a Variant of Uncertain Significance.

Literature cited by the submitters: PubMed 33481221; PubMed 25589632; PubMed 23975875.